The following is an entry in ClinVar:

NM_004360.5(CDH1):c.2164+7C>G

Gene: CDH1 (cadherin 1; plus strand). Cytogenetic location: 16q22.1.
Variant type: single nucleotide variant.
Coding change: c.2164+7C>G on transcript NM_004360.5 (MANE Select); 7 bases into the intron after coding-DNA position 2164, C replaced by G.
Molecular consequence: intron variant.
Genome position (GRCh38, 1-based): chr16:68,823,633, C>G. VCF-style: chr16-68823633-C-G. GRCh37 (hg19) VCF-style: chr16-68857536-C-G.
Other names: c.616+7C>G (NM_001317185.2); c.199+7C>G (NM_001317186.2); c.1981+7C>G (NM_001317184.2).
Identifiers: ClinVar variation 1543967 (VCV001543967.9), dbSNP rs756306151, ClinGen allele CA8130202.

ClinVar aggregate classification (germline): Likely benign. Review status: criteria provided, multiple submitters, no conflicts (2 of 4 stars). 2 submissions from 2 submitters: Likely benign (2). Last evaluated 2024-09-20.

Conditions:
Hereditary diffuse gastric adenocarcinoma (HDGC). Also called: DIFFUSE GASTRIC AND LOBULAR BREAST CANCER SYNDROME. Identifiers: Orphanet 26106, MedGen C1708349, MONDO:0007648, OMIM 137215.

Allele frequency attached by ClinVar (database versions not stated): gnomAD exomes below 0.00001; ExAC 0.00001.

Submissions (2):

Myriad Genetics, Inc.
Classification: Likely benign for Hereditary diffuse gastric adenocarcinoma. Last evaluated: 2024-09-20. Review status: criteria provided, single submitter. Criteria: Myriad Autosomal Dominant, Autosomal Recessive and X-Linked Classification Criteria (2023). Collection method: clinical testing. Allele origin: unknown.
Comment: This variant is considered likely benign. This variant is intronic and is not expected to impact mRNA splicing.

Labcorp Genetics (formerly Invitae), Labcorp
Classification: Likely benign for Hereditary diffuse gastric adenocarcinoma. Last evaluated: 2021-03-25. Review status: criteria provided, single submitter. Criteria: Invitae Variant Classification Sherloc (09022015). Collection method: clinical testing. Allele origin: germline.